The following is an entry in ClinVar:

ClinVar aggregate classification (germline): Uncertain significance (1 of 4 stars; one submission).

Submission:

GeneDx
Classification: Uncertain significance. Last evaluated: 2024-08-12. Review status: criteria provided, single submitter. Criteria: GeneDx Variant Classification Process June 2021. Collection method: clinical testing. Allele origin: germline. Affected: yes.
Comment: Not observed at significant frequency in large population cohorts (gnomAD); In silico analysis indicates that this missense variant does not alter protein structure/function; Has not been previously published as pathogenic or benign to our knowledge

NM_014208.3(DSPP):c.841G>A (p.Glu281Lys)

Genes: DMP1-AS1 (DMP1 and DSPP antisense RNA 1; minus strand), DSPP (dentin sialophosphoprotein; plus strand). Cytogenetic location: 4q22.1.
Variant type: single nucleotide variant.
Coding change: c.841G>A on transcript NM_014208.3 (MANE Select); coding-DNA position 841, G replaced by A.
Protein change: p.Glu281Lys; replaces glutamic acid 281 with lysine.
Molecular consequence: missense variant.
Genome position (GRCh38, 1-based): chr4:87,613,027, G>A. VCF-style: chr4-87613027-G-A. GRCh37 (hg19) VCF-style: chr4-88534179-G-A.
Other names: short protein forms E281K.
Identifiers: ClinVar variation 3731049 (VCV003731049.1).